The following is an entry in ClinVar:

ClinVar aggregate classification (germline): Uncertain significance. Review status: criteria provided, multiple submitters, no conflicts (2 of 4 stars). 2 submissions from 2 submitters: Uncertain significance (2). Last evaluated 2026-01-20.

Conditions:
Hereditary cancer-predisposing syndrome. Also called: Hereditary Cancer Syndrome; Tumor predisposition; Neoplastic Syndromes, Hereditary; Hereditary neoplastic syndrome. Identifiers: Orphanet 140162, MedGen C0027672, MeSH D009386, MONDO:0015356.
Tuberous sclerosis 2 (TSC2). Identifiers: Orphanet 805, MedGen C1860707, MONDO:0013199, OMIM 613254.

Submissions (2):

Labcorp Genetics (formerly Invitae), Labcorp
Classification: Uncertain significance for Tuberous sclerosis 2. Last evaluated: 2026-01-20. Review status: criteria provided, single submitter. Criteria: Invitae Variant Classification Sherloc (09022015). Collection method: clinical testing. Allele origin: germline.
Comment: This sequence change replaces glycine, which is neutral and non-polar, with valine, which is neutral and non-polar, at codon 756 of the TSC2 protein (p.Gly756Val). This variant is not present in population databases (gnomAD no frequency). This variant has not been reported in the literature in individuals affected with TSC2-related conditions. ClinVar contains an entry for this variant (Variation ID: 3232111). Invitae Evidence Modeling of protein sequence and biophysical properties (such as structural, functional, and spatial information, amino acid conservation, physicochemical variation, residue mobility, and thermodynamic stability) indicates that this missense variant is not expected to disrupt TSC2 protein function with a negative predictive value of 95%. In summary, the available evidence is currently insufficient to determine the role of this variant in disease. Therefore, it has been classified as a Variant of Uncertain Significance.

Ambry Genetics
Classification: Uncertain significance for Hereditary cancer-predisposing syndrome. Last evaluated: 2024-03-02. Review status: criteria provided, single submitter. Criteria: Ambry Variant Classification Scheme 2023. Collection method: clinical testing. Allele origin: germline.
Comment: The p.G756V variant (also known as c.2267G>T), located in coding exon 20 of the TSC2 gene, results from a G to T substitution at nucleotide position 2267. The glycine at codon 756 is replaced by valine, an amino acid with dissimilar properties. This amino acid position is conserved. In addition, the in silico prediction for this alteration is inconclusive. Based on the available evidence, the clinical significance of this alteration remains unclear.

NM_000548.5(TSC2):c.2267G>T (p.Gly756Val)

Gene: TSC2 (TSC complex subunit 2; plus strand). Cytogenetic location: 16p13.3.
Variant type: single nucleotide variant.
Coding change: c.2267G>T on transcript NM_000548.5 (MANE Select); coding-DNA position 2267, G replaced by T.
Protein change: p.Gly756Val; replaces glycine 756 with valine.
Molecular consequence: missense variant. On other transcripts: non-coding transcript variant (5).
Genome position (GRCh38, 1-based): chr16:2,072,895, G>T. VCF-style: chr16-2072895-G-T. GRCh37 (hg19) VCF-style: chr16-2122896-G-T.
Other names: c.2267G>T, p.Gly756Val (NM_001363528.2, NM_001370404.1, NM_001370405.1 and 6 more transcripts); c.2357G>T, p.Gly786Val (NM_001406667.1, NM_001406668.1); c.2156G>T, p.Gly719Val (NM_001406670.1, NM_001406678.1, NM_001318827.2); c.2255G>T, p.Gly752Val (NM_001406671.1, NM_001406673.1); c.1667G>T, p.Gly556Val (NM_001406685.1, NM_001406686.1, NM_001406687.1 and 6 more transcripts); c.923G>T, p.Gly308Val (NM_001406689.1, NM_001406690.1, NM_001406691.1 and 6 more transcripts); c.665G>T, p.Gly222Val (NM_001406698.1); c.2120G>T, p.Gly707Val (NM_001406675.1, NM_001406676.1, NM_001406679.1 and 1 more transcripts); and 3 more; short protein forms G222V, G308V, G556V, G602V, G707V, G719V, G737V, G752V.
Identifiers: ClinVar variation 3232111 (VCV003232111.3), dbSNP rs2543764468, ClinGen allele CA394276544.